The following is an entry in ClinVar:

NM_006734.4(HIVEP2):c.2814A>G (p.Lys938=)

Gene: HIVEP2 (HIVEP zinc finger 2; minus strand). Cytogenetic location: 6q24.2.
Variant type: single nucleotide variant.
Coding change: c.2814A>G on transcript NM_006734.4 (MANE Select); coding-DNA position 2814, A replaced by G.
Protein change: p.Lys938=; no amino-acid change (lysine 938 retained).
Molecular consequence: synonymous variant.
Genome position (GRCh38, 1-based): chr6:142,771,925, T>C on the plus strand (A>G on the coding strand, the complement: HIVEP2 is on the minus strand). VCF-style: chr6-142771925-T-C. GRCh37 (hg19) VCF-style: chr6-143093062-T-C.
Identifiers: ClinVar variation 3033616 (VCV003033616.2), dbSNP rs376120078, ClinGen allele CA4028358.
Genomic context (GRCh38, chr6:142,771,925, plus strand): 5'-GGATTCAAAGCTGGACTCCCCTGAGGAGTGCTCCATATCTGCAAGTCGCAGACGCTTCTT[T>C]TTGGGTGGCAACTTCTCCGCGGGGAGCTGGGAAAGGGTCTCACTTCTCTGGGGCCACTGA-3'
Protein context (NP_006725.3, residues 928-948): SQLPAEKLPP[Lys938=]KKRLRLADME

ClinVar aggregate classification (germline): Likely benign (0 of 4 stars; one submission).

Conditions:
HIVEP2-related disorder. Also called: HIVEP2-related condition.

Allele frequency attached by ClinVar (database versions not stated): TOPMed 0.00008; ExAC 0.00009; gnomAD 0.00012; gnomAD exomes 0.00018; ESP Exome Variant Server 0.00025; 1000 Genomes Project 30x 0.00016.
gnomAD v4.1: 272 of 1,614,184 alleles (0.017%); highest among the groups gnomAD compares: Non-Finnish European, 0.023%; no homozygotes.

Submission:

PreventionGenetics, part of Exact Sciences
Classification: Likely benign for HIVEP2-related condition. Last evaluated: 2019-06-11. Review status: no assertion criteria provided. Collection method: clinical testing. Allele origin: germline.
Comment: This variant is classified as likely benign based on ACMG/AMP sequence variant interpretation guidelines (Richards et al. 2015 PMID: 25741868, with internal and published modifications).